The following is an entry in ClinVar:

NM_000069.3(CACNA1S):c.1849A>G (p.Thr617Ala)

Gene: CACNA1S (calcium voltage-gated channel subunit alpha1 S; minus strand). Cytogenetic location: 1q32.1.
Variant type: single nucleotide variant.
Coding change: c.1849A>G on transcript NM_000069.3 (MANE Select); coding-DNA position 1849, A replaced by G.
Protein change: p.Thr617Ala; replaces threonine 617 with alanine.
Molecular consequence: missense variant.
Genome position (GRCh38, 1-based): chr1:201,075,594, T>C on the plus strand (A>G on the coding strand, the complement: CACNA1S is on the minus strand). VCF-style: chr1-201075594-T-C. GRCh37 (hg19) VCF-style: chr1-201044722-T-C.
Other names: short protein forms T617A.
Identifiers: ClinVar variation 3073982 (VCV003073982.2), dbSNP rs1047863274, ClinGen allele CA35976230.

ClinVar aggregate classification (germline): Uncertain significance. Review status: criteria provided, multiple submitters, no conflicts (2 of 4 stars). 2 submissions from 2 submitters: Uncertain significance (2). Last evaluated 2024-05-13.

Conditions:
Malignant hyperthermia, susceptibility to, 5 (MHS5). Also called: CACNA1S-Related Malignant Hyperthermia Susceptibility. Identifiers: Orphanet 423, MedGen C1866077, MONDO:0011163, OMIM 601887.

Allele frequency attached by ClinVar (database versions not stated): TOPMed below 0.00001; gnomAD 0.00001; gnomAD exomes 0.00001.
gnomAD v4.1: 18 of 1,613,980 alleles (0.0011%); highest among the groups gnomAD compares: Non-Finnish European, 0.0015%; no homozygotes.

Submissions (2):

Color Diagnostics, LLC DBA Color Health
Classification: Uncertain significance for Malignant hyperthermia, susceptibility to, 5. Last evaluated: 2024-05-13. Review status: criteria provided, single submitter. Criteria: ACMG Guidelines, 2015. Collection method: clinical testing. Allele origin: germline.
Comment: This missense variant replaces threonine with alanine at codon 617 of the CACNA1S protein. Computational prediction suggests that this variant may not impact protein structure and function. To our knowledge, functional studies have not been reported for this variant. This variant has been reported in a family/individual affected with malignant hyperthermia susceptibility (PMID: 30236257). This variant has not been identified in the general population by the Genome Aggregation Database (gnomAD). The available evidence is insufficient to determine the role of this variant in disease conclusively. Therefore, this variant is classified as a Variant of Uncertain Significance.

All of Us Research Program, National Institutes of Health
Classification: Uncertain significance for Malignant hyperthermia, susceptibility to, 5. Last evaluated: 2023-11-30. Review status: criteria provided, single submitter. Criteria: ACMG Guidelines, 2015. Collection method: clinical testing. Allele origin: germline. Inheritance: Autosomal dominant inheritance. Observed: 1 variant allele, 1 heterozygote.
Comment: This study involves interpretation of variants in research participants for the purpose of population health screening. Participant phenotype was not available at the time of variant classification. Additional details can be found in publication PMID: 35346344, PMCID: PMC8962531

Literature cited by the submitters: PubMed 30236257 (cited by Color Diagnostics, LLC DBA Color Health).